The following is an entry in ClinVar:

ClinVar aggregate classification (germline): Uncertain significance (1 of 4 stars; one submission).

Conditions:
Dilated cardiomyopathy 1G (CMD1G). Identifiers: Orphanet 154, MedGen C1858763, MONDO:0011400, OMIM 604145.
Autosomal recessive limb-girdle muscular dystrophy type 2J (LGMDR10). Also called: Limb-girdle muscular dystrophy, type 2J; MUSCULAR DYSTROPHY, LIMB-GIRDLE, AUTOSOMAL RECESSIVE 10. Identifiers: Orphanet 140922, MedGen C1837342, MONDO:0012127, OMIM 608807.

Submission:

Labcorp Genetics (formerly Invitae), Labcorp
Classification: Uncertain significance for Dilated cardiomyopathy 1G; Autosomal recessive limb-girdle muscular dystrophy type 2J. Last evaluated: 2022-05-21. Review status: criteria provided, single submitter. Criteria: Invitae Variant Classification Sherloc (09022015). Collection method: clinical testing. Allele origin: germline.
Comment: This variant is located in the M band of TTN (PMID: 25589632). Variants in this region may be relevant for neuromuscular disorders, but have not been definitively shown to cause cardiomyopathy (PMID: 23975875). In summary, the available evidence is currently insufficient to determine the role of this variant in disease. Therefore, it has been classified as a Variant of Uncertain Significance. Experimental studies and prediction algorithms are not available or were not evaluated, and the functional significance of this variant is currently unknown. This variant has not been reported in the literature in individuals affected with TTN-related conditions. This variant is not present in population databases (gnomAD no frequency). This sequence change replaces isoleucine, which is neutral and non-polar, with threonine, which is neutral and polar, at codon 35957 of the TTN protein (p.Ile35957Thr).

Literature cited by the submitters: PubMed 25589632; PubMed 23975875.

NM_001267550.2(TTN):c.107870T>C (p.Ile35957Thr)

Genes: TTN (titin; minus strand), TTN-AS1 (TTN antisense RNA 1; plus strand). Cytogenetic location: 2q31.2.
Variant type: single nucleotide variant.
Coding change: c.107870T>C on transcript NM_001267550.2 (MANE Select); coding-DNA position 107870, T replaced by C.
Protein change: p.Ile35957Thr; replaces isoleucine 35957 with threonine.
Molecular consequence: missense variant.
Genome position (GRCh38, 1-based): chr2:178,527,118, A>G on the plus strand (T>C on the coding strand, the complement: TTN is on the minus strand). VCF-style: chr2-178527118-A-G. GRCh37 (hg19) VCF-style: chr2-179391845-A-G.
Other names: c.102947T>C, p.Ile34316Thr (NM_001256850.1); c.80675T>C, p.Ile26892Thr (NM_003319.4); c.100166T>C, p.Ile33389Thr (NM_133378.4); c.81050T>C, p.Ile27017Thr (NM_133432.3); c.81251T>C, p.Ile27084Thr (NM_133437.4); short protein forms I27084T, I26892T, I33389T, I34316T, I27017T, I35957T.
Identifiers: ClinVar variation 1997382 (VCV001997382.4), dbSNP rs2468224527, ClinGen allele CA349398594.